The following is an entry in ClinVar:

NM_198253.3(TERT):c.3338C>T (p.Thr1113Ile)

Gene: TERT (telomerase reverse transcriptase; minus strand). Cytogenetic location: 5p15.33.
Variant type: single nucleotide variant.
Coding change: c.3338C>T on transcript NM_198253.3 (MANE Select); coding-DNA position 3338, C replaced by T.
Protein change: p.Thr1113Ile; replaces threonine 1113 with isoleucine.
Molecular consequence: missense variant. On other transcripts: non-coding transcript variant (2).
Genome position (GRCh38, 1-based): chr5:1,253,789, G>A on the plus strand (C>T on the coding strand, the complement: TERT is on the minus strand). VCF-style: chr5-1253789-G-A. GRCh37 (hg19) VCF-style: chr5-1253904-G-A.
Other names: c.3149C>T, p.Thr1050Ile (NM_001193376.3); short protein forms T1050I, T1113I.
Identifiers: ClinVar variation 1061512 (VCV001061512.12), dbSNP rs1404530857, ClinGen allele CA359066742.

ClinVar aggregate classification (germline): Uncertain significance. Review status: criteria provided, multiple submitters, no conflicts (2 of 4 stars). 3 submissions from 3 submitters: Uncertain significance (3). Last evaluated 2025-12-29.

Conditions:
Dyskeratosis congenita, autosomal dominant 2. Identifiers: MedGen C3151443, MONDO:0013521, OMIM 613989.
Idiopathic Pulmonary Fibrosis. Also called: Idiopathic fibrosing alveolitis, chronic form; idiopathic fibrosing alveolitis. Identifiers: Orphanet 2032, MedGen C1800706, MeSH D054990, MONDO:0800504.
Dyskeratosis congenita. Identifiers: Orphanet 1775, MedGen C0265965, MONDO:0015780.

Allele frequency attached by ClinVar (database versions not stated): gnomAD exomes below 0.00001 and 0.00001; TOPMed below 0.00001.
gnomAD v4.1: 21 of 1,612,126 alleles (0.0013%); highest among the groups gnomAD compares: Admixed American, 0.0017%; no homozygotes.

Submissions (3):

Labcorp Genetics (formerly Invitae), Labcorp
Classification: Uncertain significance for Dyskeratosis congenita, autosomal dominant 2; Idiopathic Pulmonary Fibrosis. Last evaluated: 2025-12-29. Review status: criteria provided, single submitter. Criteria: Invitae Variant Classification Sherloc (09022015). Collection method: clinical testing. Allele origin: germline.
Comment: This sequence change replaces threonine, which is neutral and polar, with isoleucine, which is neutral and non-polar, at codon 1113 of the TERT protein (p.Thr1113Ile). This variant is present in population databases (no rsID available, gnomAD 0.003%). This variant has not been reported in the literature in individuals affected with TERT-related conditions. ClinVar contains an entry for this variant (Variation ID: 1061512). Invitae Evidence Modeling of protein sequence and biophysical properties (such as structural, functional, and spatial information, amino acid conservation, physicochemical variation, residue mobility, and thermodynamic stability) indicates that this missense variant is not expected to disrupt TERT protein function with a negative predictive value of 95%. In summary, the available evidence is currently insufficient to determine the role of this variant in disease. Therefore, it has been classified as a Variant of Uncertain Significance.

Ambry Genetics
Classification: Uncertain significance for Dyskeratosis congenita. Last evaluated: 2025-09-17. Review status: criteria provided, single submitter. Criteria: Ambry Variant Classification Scheme 2023. Collection method: clinical testing. Allele origin: germline.
Comment: The p.T1113I variant (also known as c.3338C>T), located in coding exon 16 of the TERT gene, results from a C to T substitution at nucleotide position 3338. The threonine at codon 1113 is replaced by isoleucine, an amino acid with similar properties. This amino acid position is conserved. In addition, this alteration is predicted to be tolerated by in silico analysis. Based on the available evidence, the clinical significance of this variant remains unclear.

Baylor Genetics
Classification: Uncertain significance for Dyskeratosis congenita, autosomal dominant 2. Last evaluated: 2023-09-27. Review status: criteria provided, single submitter. Criteria: ACMG Guidelines, 2015. Collection method: clinical testing. Allele origin: unknown.